The following is an entry in ClinVar:

ClinVar aggregate classification (germline): Pathogenic/Likely pathogenic. Review status: criteria provided, multiple submitters, no conflicts (2 of 4 stars). 8 submissions from 8 submitters: Pathogenic (4); Likely pathogenic (3). 1 of the submissions does not count toward it. Last evaluated 2026-03-10.

Conditions:
Cardiovascular phenotype. Identifiers: MedGen CN230736.
Hereditary cancer-predisposing syndrome. Also called: Hereditary neoplastic syndrome; Hereditary Cancer Syndrome; Neoplastic Syndromes, Hereditary; Tumor predisposition. Identifiers: Orphanet 140162, MedGen C0027672, MeSH D009386, MONDO:0015356.
Neurofibromatosis, type 1 (NF1). Also called: Peripheral type neurofibromatosis; VON RECKLINGHAUSEN DISEASE; Neurofibromatosis, type I; NEUROFIBROMATOSIS, TYPE I, SOMATIC. Identifiers: Orphanet 636, MedGen C0027831, MONDO:0018975, OMIM 162200. Disease mechanism: loss of function.

Allele frequency attached by ClinVar (database versions not stated): gnomAD exomes below 0.00001; ExAC 0.00001.
gnomAD v4.1: 1 of 1,608,746 alleles (0.000062%); highest among the groups gnomAD compares: Admixed American, 0.0017%; no homozygotes.

Submissions (8):

Victorian Clinical Genetics Services, Murdoch Childrens Research Institute
Classification: Pathogenic for Neurofibromatosis, type 1. Last evaluated: 2026-03-10. Review status: criteria provided, single submitter. Criteria: ACMG Guidelines, 2015. Collection method: clinical testing. Allele origin: germline.
Comment: This variant is classified as Pathogenic. Evidence in support of pathogenic classification: Variant is present in gnomAD <0.001 for a dominant condition (v4: 1 heterozygote(s), 0 homozygote(s)); This variant has strong previous evidence of pathogenicity in unrelated individuals. This variant has been classified as pathogenic and likely pathogenic by multiple clinical laboratories in ClinVar. - Other missense variant(s) comparable to the one identified in this case have moderate previous evidence for pathogenicity. p.(Ser82Pro) and p.(Ser82Tyr) have each been classified as pathogenic or likely pathogenic by clinical laboratories (ClinVar); Missense variant predicted to be damaging by in silico tool(s) or highly conserved with a major amino acid change. Additional information: Variant is predicted to result in a missense amino acid change from Ser to Phe; This gene is associated with autosomal dominant disease; Variant is not located in an established domain, motif, hotspot or informative constraint region; Loss of function is a known mechanism of disease in this gene and is associated with neurofibromatosis type 1 (MONDO:0018975); Variants in this gene are known to have variable expressivity. Disease manifestation can be extremely variable, even within a family (PMID: 20301288).

Labcorp Genetics (formerly Invitae), Labcorp
Classification: Pathogenic for Neurofibromatosis, type 1. Last evaluated: 2025-08-11. Review status: criteria provided, single submitter. Criteria: Invitae Variant Classification Sherloc (09022015). Collection method: clinical testing. Allele origin: germline.
Comment: This sequence change replaces serine, which is neutral and polar, with phenylalanine, which is neutral and non-polar, at codon 82 of the NF1 protein (p.Ser82Phe). This variant is present in population databases (rs199474729, gnomAD 0.003%). This missense change has been observed in individual(s) with neurofibromatosis, type 1 (PMID: 11857752; internal data). In at least one individual the variant was observed to be de novo. Invitae Evidence Modeling of clinical and family history, age, sex, and reported ancestry of multiple individuals with this NF1 variant has been performed. This variant is expected to be pathogenic with a positive predictive value of at least 99%. This is a validated machine learning model that incorporates the clinical features of 1,785,918 individuals referred to our laboratory for NF1 testing. ClinVar contains an entry for this variant (Variation ID: 68320). Invitae Evidence Modeling of protein sequence and biophysical properties (such as structural, functional, and spatial information, amino acid conservation, physicochemical variation, residue mobility, and thermodynamic stability) indicates that this missense variant is expected to disrupt NF1 protein function with a positive predictive value of 95%. Algorithms developed to predict the effect of sequence changes on RNA splicing suggest that this variant may disrupt the consensus splice site. For these reasons, this variant has been classified as Pathogenic.

NHS Central & South Genomic Laboratory Hub
Classification: Pathogenic for Neurofibromatosis type 1. Last evaluated: 2025-06-05. Review status: criteria provided, single submitter. Criteria: ACMG Guidelines, 2015. Collection method: clinical testing. Allele origin: germline. Affected: yes.

Ambry Genetics
Classification: Likely pathogenic for Cardiovascular phenotype; Hereditary cancer-predisposing syndrome. Last evaluated: 2025-01-15. Review status: criteria provided, single submitter. Criteria: Ambry Variant Classification Scheme 2023. Collection method: clinical testing. Allele origin: germline.
Comment: The p.S82F variant (also known as c.245C>T), located in coding exon 3 of the NF1 gene, results from a C to T substitution at nucleotide position 245. The serine at codon 82 is replaced by phenylalanine, an amino acid with highly dissimilar properties. This variant was reported in individual(s) with features consistent with Neurofibromatosis type 1; in at least one individual, it was determined to be de novo (Kluwe L et al. Hum Mutat, 2002 Mar;19:309; external communication). This amino acid position is highly conserved in available vertebrate species. In addition, this alteration is predicted to be deleterious by in silico analysis. Based on the majority of available evidence to date, this variant is likely to be pathogenic.

GeneDx
Classification: Likely pathogenic. Last evaluated: 2023-12-05. Review status: criteria provided, single submitter. Criteria: GeneDx Variant Classification Process June 2021. Collection method: clinical testing. Allele origin: germline. Affected: yes.
Comment: In silico analysis supports that this missense variant has a deleterious effect on protein structure/function; In silico analysis supports a deleterious effect on splicing; This variant is associated with the following publications: (PMID: 16944272, 24803665, 28776573, 11857752, 35584348)

Genome Diagnostics Laboratory, The Hospital for Sick Children
Classification: Likely pathogenic for Neurofibromatosis, type 1. Last evaluated: 2020-10-26. Review status: criteria provided, single submitter. Criteria: ACMG Guidelines, 2015. Collection method: clinical testing. Allele origin: germline. Affected: yes.

Center for Human Genetics, Inc
Classification: Pathogenic for Neurofibromatosis, type 1. Last evaluated: 2016-11-01. Review status: criteria provided, single submitter. Criteria: ACMG Guidelines, 2015. Collection method: clinical testing. Allele origin: germline. Affected: yes.

UniProtKB/Swiss-Prot
No classification provided. Review status: no classification provided. Collection method: not provided. Allele origin: not provided. Not counted in ClinVar's aggregate classification.

Literature cited by the submitters: PubMed 20301288 (cited by Victorian Clinical Genetics Services, Murdoch Childrens Research Institute); PubMed 11857752 (cited by Labcorp Genetics (formerly Invitae), Labcorp and Ambry Genetics).

NM_001042492.3(NF1):c.245C>T (p.Ser82Phe)

Gene: NF1 (neurofibromin 1; plus strand). Cytogenetic location: 17q11.2.
Variant type: single nucleotide variant.
Coding change: c.245C>T on transcript NM_001042492.3 (MANE Select); coding-DNA position 245, C replaced by T.
Protein change: p.Ser82Phe; replaces serine 82 with phenylalanine.
Molecular consequence: missense variant.
Genome position (GRCh38, 1-based): chr17:31,159,050, C>T. VCF-style: chr17-31159050-C-T. GRCh37 (hg19) VCF-style: chr17-29486068-C-T.
Other names: c.245C>T, p.Ser82Phe (NM_000267.4, NM_001128147.3); short protein forms S82F.
Identifiers: ClinVar variation 68320 (VCV000068320.14), dbSNP rs199474729, ClinGen allele CA219465.